The following is an entry in ClinVar:

ClinVar aggregate classification (germline): Uncertain significance. Review status: criteria provided, multiple submitters, no conflicts (2 of 4 stars). 2 submissions from 2 submitters: Uncertain significance (2). Last evaluated 2026-01-09.

Allele frequency attached by ClinVar (database versions not stated): gnomAD exomes 0.00003; gnomAD 0.00009; TOPMed 0.00011; ExAC 0.00012.
gnomAD v4.1: 61 of 1,613,926 alleles (0.0038%); highest among the groups gnomAD compares: African/African-American, 0.023%; no homozygotes.

Submissions (2):

Labcorp Genetics (formerly Invitae), Labcorp
Classification: Uncertain significance. Last evaluated: 2026-01-09. Review status: criteria provided, single submitter. Criteria: Invitae Variant Classification Sherloc (09022015). Collection method: clinical testing. Allele origin: germline.
Comment: This sequence change replaces threonine, which is neutral and polar, with methionine, which is neutral and non-polar, at codon 399 of the LIPC protein (p.Thr399Met). This variant is present in population databases (rs775308938, gnomAD 0.05%). This missense change has been observed in individual(s) with dyslipidemia (PMID: 36325899). ClinVar contains an entry for this variant (Variation ID: 3119025). Invitae Evidence Modeling of protein sequence and biophysical properties (such as structural, functional, and spatial information, amino acid conservation, physicochemical variation, residue mobility, and thermodynamic stability) has been performed for this missense variant. However, the output from this modeling did not meet the statistical confidence thresholds required to predict the impact of this variant on LIPC protein function. In summary, the available evidence is currently insufficient to determine the role of this variant in disease. Therefore, it has been classified as a Variant of Uncertain Significance.

Ambry Genetics
Classification: Uncertain significance. Last evaluated: 2023-12-28. Review status: criteria provided, single submitter. Criteria: Ambry Variant Classification Scheme 2023. Collection method: clinical testing. Allele origin: germline.

Literature cited by the submitters: PubMed 36325899 (cited by Labcorp Genetics (formerly Invitae), Labcorp).

NM_000236.3(LIPC):c.1196C>T (p.Thr399Met)

Gene: LIPC (lipase C, hepatic type; plus strand). Cytogenetic location: 15q21.3.
Variant type: single nucleotide variant.
Coding change: c.1196C>T on transcript NM_000236.3 (MANE Select); coding-DNA position 1196, C replaced by T.
Protein change: p.Thr399Met; replaces threonine 399 with methionine.
Molecular consequence: missense variant.
Genome position (GRCh38, 1-based): chr15:58,563,531, C>T. VCF-style: chr15-58563531-C-T. GRCh37 (hg19) VCF-style: chr15-58855730-C-T.
Other names: short protein forms T399M.
Identifiers: ClinVar variation 3119025 (VCV003119025.2), dbSNP rs775308938, ClinGen allele CA7585159.
Genomic context (GRCh38, chr15:58,563,531, plus strand): 5'-ACTGATTGTGTCTGATTTTCTTTGTGTATTCAAGGGGCAAAGGAATTGCTAGTAATAAAA[C>T]GTATTCCTTTCTTATCACGCTGGATGTGGATATCGGCGAGCTGATCATGATCAAGTTCAA-3'
Protein context (NP_000227.2, residues 389-409): TLGKGIASNK[Thr399Met]YSFLITLDVD